The following is an entry in ClinVar:

NM_001113378.2(FANCI):c.339dup (p.Ser114Ter)

Gene: FANCI (FA complementation group I; plus strand). Cytogenetic location: 15q26.1.
Variant type: Duplication.
Coding change: c.339dup on transcript NM_001113378.2 (MANE Select); coding-DNA position 339, one base duplicated (T; older notation c.339dupT).
Protein change: p.Ser114Ter; replaces serine 114 with a stop codon.
Molecular consequence: nonsense.
Genome position (GRCh38, 1-based): chr15:89,261,635, T duplicated; the last of 2 consecutive T bases (chr15:89,261,634-89,261,635); duplicating either gives the same sequence. VCF-style (leftmost placement, unchanged base first): chr15-89261633-A-AT. GRCh37 (hg19) VCF-style: chr15-89804864-A-AT.
Other names: c.60dup, p.Ser21Ter (NM_001376910.1); c.339dup, p.Ser114Ter (NM_001376911.1, NM_018193.3); short protein forms S21*, S114*.
Identifiers: ClinVar variation 2709856 (VCV002709856.3), dbSNP rs2505905536, ClinGen allele CA2697549308.

ClinVar aggregate classification (germline): Pathogenic (1 of 4 stars; one submission).

Conditions:
Fanconi anemia (FA). Also called: Fanconi's anemia. Identifiers: Orphanet 84, MedGen C0015625, MeSH D005199, MONDO:0019391.

Submission:

Labcorp Genetics (formerly Invitae), Labcorp
Classification: Pathogenic for Fanconi anemia. Last evaluated: 2024-01-24. Review status: criteria provided, single submitter. Criteria: Invitae Variant Classification Sherloc (09022015). Collection method: clinical testing. Allele origin: germline.
Comment: This sequence change creates a premature translational stop signal (p.Ser114*) in the FANCI gene. It is expected to result in an absent or disrupted protein product. Loss-of-function variants in FANCI are known to be pathogenic (PMID: 17452773, 17460694). This variant is not present in population databases (gnomAD no frequency). This variant has not been reported in the literature in individuals affected with FANCI-related conditions. Algorithms developed to predict the effect of sequence changes on RNA splicing suggest that this variant may disrupt the consensus splice site. For these reasons, this variant has been classified as Pathogenic.

Literature cited by the submitters: PubMed 17452773; PubMed 17460694.